The following is an entry in ClinVar:

NM_004329.3(BMPR1A):c.97A>G (p.Thr33Ala)

Gene: BMPR1A (bone morphogenetic protein receptor type 1A; plus strand). Cytogenetic location: 10q23.2.
Variant type: single nucleotide variant.
Coding change: c.97A>G on transcript NM_004329.3 (MANE Select); coding-DNA position 97, A replaced by G.
Protein change: p.Thr33Ala; replaces threonine 33 with alanine.
Molecular consequence: missense variant.
Genome position (GRCh38, 1-based): chr10:86,890,091, A>G. VCF-style: chr10-86890091-A-G. GRCh37 (hg19) VCF-style: chr10-88649848-A-G.
Other names: short protein forms T33A.
Identifiers: ClinVar variation 460519 (VCV000460519.28), dbSNP rs748515167, ClinGen allele CA5585432.
Genomic context (GRCh38, chr10:86,890,091, plus strand): 5'-ATTTACTTACAAATTCCATATTTGAATGCAGGACAGAATCTGGATAGTATGCTTCATGGC[A>G]CTGGGATGAAATCAGACTCCGACCAGAAAAAGTCAGAAAATGGAGTAACCTTAGCACCAG-3'
Protein context (NP_004320.2, residues 23-43): GQNLDSMLHG[Thr33Ala]GMKSDSDQKK

ClinVar aggregate classification (germline): Conflicting classifications of pathogenicity. Review status: criteria provided, conflicting classifications (1 of 4 stars). 9 submissions from 9 submitters: Uncertain significance (8); Benign (1). Last evaluated 2025-08-27.

Conditions:
Juvenile polyposis syndrome (JPS). Identifiers: Orphanet 2929, MedGen C0345893, MONDO:0017380, OMIM 174900.
Hereditary cancer-predisposing syndrome. Also called: Hereditary neoplastic syndrome; Neoplastic Syndromes, Hereditary; Tumor predisposition; Hereditary Cancer Syndrome. Identifiers: Orphanet 140162, MedGen C0027672, MeSH D009386, MONDO:0015356.
Polyposis syndrome, hereditary mixed, 2. Identifiers: Orphanet 157794, MedGen C1864730, MONDO:0012405, OMIM 610069.

Allele frequency attached by ClinVar (database versions not stated): gnomAD 0.00001; ExAC 0.00002; gnomAD exomes 0.00002; TOPMed 0.00002.
gnomAD v4.1: 17 of 1,613,430 alleles (0.0011%); highest among the groups gnomAD compares: Admixed American, 0.0067%; no homozygotes.

Submissions (9):

Labcorp Genetics (formerly Invitae), Labcorp
Classification: Uncertain significance for Juvenile polyposis syndrome. Last evaluated: 2025-08-27. Review status: criteria provided, single submitter. Criteria: Invitae Variant Classification Sherloc (09022015). Collection method: clinical testing. Allele origin: germline.
Comment: This sequence change replaces threonine, which is neutral and polar, with alanine, which is neutral and non-polar, at codon 33 of the BMPR1A protein (p.Thr33Ala). This variant is present in population databases (rs748515167, gnomAD 0.006%). This missense change has been observed in individual(s) with breast and/or ovarian cancer (PMID: 25186627, 30306255). ClinVar contains an entry for this variant (Variation ID: 460519). Invitae Evidence Modeling incorporating data from in vitro experimental studies (internal data) indicates that this missense variant is not expected to disrupt BMPR1A function with a negative predictive value of 95%. In summary, the available evidence is currently insufficient to determine the role of this variant in disease. Therefore, it has been classified as a Variant of Uncertain Significance.

Catlab - Consorci Sanitari de Terrassa
Classification: Uncertain significance for Hereditary cancer-predisposing syndrome. Last evaluated: 2025-06-11. Review status: criteria provided, single submitter. Criteria: ACMG Guidelines, 2015. Collection method: clinical testing. Allele origin: germline.
Comment: Based on the currently available information, this variant is classified as Variant of Uncertain Significance according to ACMG Richards 2015 guidelines. ACMG criteria: BP4 .

All of Us Research Program, National Institutes of Health
Classification: Uncertain significance for Juvenile polyposis syndrome. Last evaluated: 2024-06-09. Review status: criteria provided, single submitter. Criteria: ACMG Guidelines, 2015. Collection method: clinical testing. Allele origin: germline. Inheritance: Autosomal dominant inheritance. Observed: 2 variant alleles, 2 heterozygotes.
Comment: This missense variant replaces threonine with alanine at codon 33 of the BMPR1A protein. Computational prediction suggests that this variant may not impact protein structure and function (internally defined REVEL score threshold <= 0.5, PMID: 27666373). Splice site prediction tools suggest that this variant may not impact RNA splicing. To our knowledge, functional studies have not been performed for this variant. This variant has not been reported in individuals affected with hereditary cancer in the literature. This variant has been identified in 4/251346 chromosomes in the general population by the Genome Aggregation Database (gnomAD). The available evidence is insufficient to determine the role of this variant in disease conclusively. Therefore, this variant is classified as a Variant of Uncertain Significance.

This study involves interpretation of variants in research participants for the purpose of population health screening. Participant phenotype was not available at the time of variant classification. Additional details can be found in publication PMID: 35346344, PMCID: PMC8962531

Baylor Genetics
Classification: Uncertain significance for Polyposis syndrome, hereditary mixed, 2. Last evaluated: 2024-03-19. Review status: criteria provided, single submitter. Criteria: ACMG Guidelines, 2015. Collection method: clinical testing. Allele origin: unknown.

Ambry Genetics
Classification: Benign for Hereditary cancer-predisposing syndrome. Last evaluated: 2023-10-25. Review status: criteria provided, single submitter. Criteria: Ambry Variant Classification Scheme 2023. Collection method: clinical testing. Allele origin: germline.

Color Diagnostics, LLC DBA Color Health
Classification: Uncertain significance for Hereditary cancer-predisposing syndrome. Last evaluated: 2023-06-08. Review status: criteria provided, single submitter. Criteria: ACMG Guidelines, 2015. Collection method: clinical testing. Allele origin: germline.
Comment: This missense variant replaces threonine with alanine at codon 33 of the BMPR1A protein. Computational prediction suggests that this variant may not impact protein structure and function (internally defined REVEL score threshold <= 0.5, PMID: 27666373). To our knowledge, functional studies have not been reported for this variant. This variant has not been reported in individuals affected with BMPR1A-related disorders in the literature. This variant has been identified in 4/251346 chromosomes in the general population by the Genome Aggregation Database (gnomAD). The available evidence is insufficient to determine the role of this variant in disease conclusively. Therefore, this variant is classified as a Variant of Uncertain Significance.

Women's Health and Genetics/Laboratory Corporation of America, LabCorp
Classification: Uncertain significance. Last evaluated: 2023-03-13. Review status: criteria provided, single submitter. Criteria: LabCorp Variant Classification Summary - May 2015. Collection method: clinical testing. Allele origin: germline.
Comment: Variant summary: BMPR1A c.97A>G (p.Thr33Ala) results in a non-conservative amino acid change in the encoded protein sequence. Three of five in-silico tools predict a benign effect of the variant on protein function. The variant allele was found at a frequency of 1.6e-05 in 251346 control chromosomes. The available data on variant occurrences in the general population are insufficient to allow any conclusion about variant significance. c.97A>G has been reported in the literature in individuals affected with or at risk of breast or ovarian cancer without strong evidence of causality (Tung_2015, Bonache_2018). These reports do not provide unequivocal conclusions about association of the variant with Juvenile Polyposis Syndrome. To our knowledge, no experimental evidence demonstrating an impact on protein function has been reported. Four submitters have provided clinical-significance assessments for this variant to ClinVar after 2014, and all classified the variant as uncertain significance. Based on the evidence outlined above, the variant was classified as uncertain significance.

GeneDx
Classification: Uncertain significance. Last evaluated: 2023-01-13. Review status: criteria provided, single submitter. Criteria: GeneDx Variant Classification Process June 2021. Collection method: clinical testing. Allele origin: germline. Affected: yes.
Comment: Not observed at significant frequency in large population cohorts (gnomAD); In silico analysis supports that this missense variant does not alter protein structure/function; Has not been previously published as pathogenic or benign to our knowledge

Sema4
Classification: Uncertain significance for Hereditary cancer-predisposing syndrome. Last evaluated: 2021-10-08. Review status: criteria provided, single submitter. Criteria: Sema4 Curation Guidelines. Collection method: curation. Allele origin: germline.
Comment: The BMPR1A c.97A>G (p.T33A) variant has not been reported in the literature to our knowledge. It was observed in 2/34590 chromosomes of the Latino subpopulation in the large and broad cohorts of the Genome Aggregation Database (PMID: 32461654). The variant has been reported in ClinVar (Variation ID 460519). Functional studies have not been performed, and in silico predictions of the variant's effect on protein function are inconclusive. The evidence is insufficient to meet ACMG/AMP criteria for classifying the variant as benign or pathogenic. Thus, the clinical significance of this variant is currently uncertain.

Literature cited by the submitters: PubMed 25186627 (cited by Labcorp Genetics (formerly Invitae), Labcorp and Women's Health and Genetics/Laboratory Corporation of America, LabCorp); PubMed 30306255 (cited by Labcorp Genetics (formerly Invitae), Labcorp and Women's Health and Genetics/Laboratory Corporation of America, LabCorp).